The following is an entry in ClinVar:

NM_152594.3(SPRED1):c.966G>T (p.Lys322Asn)

Gene: SPRED1 (sprouty related EVH1 domain containing 1; plus strand). Cytogenetic location: 15q14.
Variant type: single nucleotide variant.
Coding change: c.966G>T on transcript NM_152594.3 (MANE Select); coding-DNA position 966, G replaced by T.
Protein change: p.Lys322Asn; replaces lysine 322 with asparagine.
Molecular consequence: missense variant.
Genome position (GRCh38, 1-based): chr15:38,351,295, G>T. VCF-style: chr15-38351295-G-T. GRCh37 (hg19) VCF-style: chr15-38643496-G-T.
Other names: short protein forms K322N.
Identifiers: ClinVar variation 3800913 (VCV003800913.1).

ClinVar aggregate classification (germline): Uncertain significance (1 of 4 stars; one submission).

Conditions:
Cardiovascular phenotype. Identifiers: MedGen CN230736.

Submission:

Ambry Genetics
Classification: Uncertain significance for Cardiovascular phenotype. Last evaluated: 2025-01-31. Review status: criteria provided, single submitter. Criteria: Ambry Variant Classification Scheme 2023. Collection method: clinical testing. Allele origin: germline.
Comment: The p.K322N variant (also known as c.966G>T), located in coding exon 7 of the SPRED1 gene, results from a G to T substitution at nucleotide position 966. The lysine at codon 322 is replaced by asparagine, an amino acid with similar properties. This amino acid position is conserved. In addition, this alteration is predicted to be tolerated by in silico analysis. Based on the available evidence, the clinical significance of this variant remains unclear.